The following is an entry in ClinVar:

GRCh37/hg19 12q24.21-24.33(chr12:116422123-133777902)x3

Genes: POP5 (POP5 ribonuclease P/MRP subunit; minus strand), PRKAB1 (protein kinase AMP-activated non-catalytic subunit beta 1; plus strand), PSMD9 (proteasome 26S subunit, non-ATPase 9; plus strand), PUS1 (pseudouridine synthase 1; plus strand), PXMP2 (peroxisomal membrane protein 2; plus strand) and 136 more. Cytogenetic location: 12q24.21-24.33.
Variant type: copy number gain.
Change: copy number 3 (three copies instead of two) of chr12:116,422,123-133,777,902 (17.36 Mb, GRCh37 coordinates, 1-based), cytogenetic band 12q24.21-24.33.
Identifiers: ClinVar variation 4682808 (VCV004682808.1).

ClinVar aggregate classification (germline): Pathogenic (1 of 4 stars; one submission).

Submission:

Quest Diagnostics Nichols Institute San Juan Capistrano
Classification: Pathogenic. Last evaluated: 2024-07-23. Review status: criteria provided, single submitter. Criteria: ACMG/ClinGen CNV Guidelines, 2019. Collection method: clinical testing. Allele origin: unknown.
Comment: Duplications of 12qter have been reported in multiple probands presenting with various phenotypic features (Bao 2005, Chen 2006, Fu 2017, Mozer 2020, Paspaliaris 2017, Sathanoori 2007). There are no similar copy number gains of this region in the general populations of the Database of Genomic Variants. Thus, based on gene count and current medical literature, this gain is classified as pathogenic. References: Bao et al., Am J Med Genet A. 2005 Nov 1;138(4):361-4. PMID: 16222678 Chen et al., Prenat Diagn. 2006 Apr;26(4):313-20. PMID: 16506269 Mozer Joaquim et al., Mol Syndromol. 2020 Jan;10(5):264-271. PMID: 32021597 Paspaliaris et al., Mol Syndromol. 2017 Dec;9(1):52-57. PMID: 29456484 Sathanoori et al., Am J Med Genet A. 2007 May 1;143A(9):985-94. PMID: 17394213